The following is an entry in ClinVar:

NM_017654.4(SAMD9):c.2159del (p.Asn720fs)

Gene: SAMD9 (sterile alpha motif domain containing 9; minus strand). Cytogenetic location: 7q21.2.
Variant type: Deletion.
Coding change: c.2159del on transcript NM_017654.4 (MANE Select); coding-DNA position 2159, one base deleted (A; older notation c.2159delA).
Protein change: p.Asn720fs; shifts the reading frame from asparagine 720.
Molecular consequence: frameshift variant.
Genome position (GRCh38, 1-based): chr7:93,103,939, T deleted on the plus strand (A on the coding strand, the reverse complement: SAMD9 is on the minus strand); the first of 4 consecutive T bases (chr7:93,103,939-93,103,942); deleting any one gives the same sequence. VCF-style (leftmost placement, unchanged base first): chr7-93103938-GT-G. GRCh37 (hg19) VCF-style: chr7-92733251-GT-G.
Other names: c.2159delA (NM_001193307.1); c.2159del, p.Asn720fs (NM_001193307.2); short protein forms N720fs.
Identifiers: ClinVar variation 587617 (VCV000587617.8), dbSNP rs753146043, ClinGen allele CA4342881.

ClinVar aggregate classification (germline): Conflicting classifications of pathogenicity. Review status: criteria provided, conflicting classifications (1 of 4 stars). 2 submissions from 2 submitters: Likely pathogenic (1); Uncertain significance (1). Last evaluated 2024-11-08.

Conditions:
MIRAGE syndrome. Also called: MYELODYSPLASIA, INFECTION, RESTRICTION OF GROWTH, ADRENAL HYPOPLASIA, GENITAL PHENOTYPES, AND ENTEROPATHY. Identifiers: Orphanet 494433, MedGen C4284088, MONDO:0014888, OMIM 617053.

Submissions (2):

Labcorp Genetics (formerly Invitae), Labcorp
Classification: Uncertain significance. Last evaluated: 2024-11-08. Review status: criteria provided, single submitter. Criteria: Invitae Variant Classification Sherloc (09022015). Collection method: clinical testing. Allele origin: germline.
Comment: This sequence change creates a premature translational stop signal (p.Asn720Thrfs*35) in the SAMD9 gene. While this is not anticipated to result in nonsense mediated decay, it is expected to disrupt the last 870 amino acid(s) of the SAMD9 protein. This variant is present in population databases (rs753146043, gnomAD 0.02%). This variant has not been reported in the literature in individuals affected with SAMD9-related conditions. ClinVar contains an entry for this variant (Variation ID: 587617). Experimental studies and prediction algorithms are not available or were not evaluated, and the functional significance of this variant is currently unknown. In summary, the available evidence is currently insufficient to determine the role of this variant in disease. Therefore, it has been classified as a Variant of Uncertain Significance.

Genomic Research Center, Shahid Beheshti University of Medical Sciences
Classification: Likely pathogenic for Mirage syndrome. Last evaluated: 2018-08-07. Review status: criteria provided, single submitter. Criteria: ACMG Guidelines, 2015. Collection method: clinical testing. Allele origin: unknown. Affected: yes. Observed: 1 variant allele.